The following is an entry in ClinVar:

ClinVar aggregate classification (germline): Uncertain significance (1 of 4 stars; one submission).

Conditions:
Fanconi anemia complementation group J. Also called: BRIP1-Related Fanconi Anemia. Identifiers: Orphanet 84, MedGen C1836860, MONDO:0012187, OMIM 609054.
Familial cancer of breast. Also called: BREAST CANCER, FAMILIAL; hereditary breast carcinoma; Hereditary breast cancer. Identifiers: Orphanet 227535, MedGen C0346153, MONDO:0016419, OMIM 114480. Disease mechanism: loss of function.

Submission:

Labcorp Genetics (formerly Invitae), Labcorp
Classification: Uncertain significance for Familial cancer of breast; Fanconi anemia complementation group J. Last evaluated: 2020-03-23. Review status: criteria provided, single submitter. Criteria: Invitae Variant Classification Sherloc (09022015). Collection method: clinical testing. Allele origin: germline.
Comment: This variant is not present in population databases (ExAC no frequency). This variant has not been reported in the literature in individuals with BRIP1-related conditions. Algorithms developed to predict the effect of missense changes on protein structure and function (SIFT, PolyPhen-2, Align-GVGD) all suggest that this variant is likely to be tolerated, but these predictions have not been confirmed by published functional studies and their clinical significance is uncertain. In summary, the available evidence is currently insufficient to determine the role of this variant in disease. Therefore, it has been classified as a Variant of Uncertain Significance. This sequence change replaces valine with leucine at codon 457 of the BRIP1 protein (p.Val457Leu). The valine residue is moderately conserved and there is a small physicochemical difference between valine and leucine.

NM_032043.3(BRIP1):c.1369G>T (p.Val457Leu)

Gene: BRIP1 (BRCA1 interacting DNA helicase 1; minus strand). Cytogenetic location: 17q23.2.
Variant type: single nucleotide variant.
Coding change: c.1369G>T on transcript NM_032043.3 (MANE Select); coding-DNA position 1369, G replaced by T.
Protein change: p.Val457Leu; replaces valine 457 with leucine.
Molecular consequence: missense variant.
Genome position (GRCh38, 1-based): chr17:61,793,701, C>A on the plus strand (G>T on the coding strand, the complement: BRIP1 is on the minus strand). VCF-style: chr17-61793701-C-A. GRCh37 (hg19) VCF-style: chr17-59871062-C-A.
Other names: short protein forms V457L.
Identifiers: ClinVar variation 1024899 (VCV001024899.9), dbSNP rs748221377, ClinGen allele CA400482264.